The following is an entry in ClinVar:

ClinVar aggregate classification (germline): Uncertain significance (1 of 4 stars; one submission).

Conditions:
Hypophosphatasia. Also called: Phosphoethanol-aminuria. Identifiers: Orphanet 436, MedGen C0020630, MeSH D007014, MONDO:0018570.

Submission:

Genomenon, Inc
Classification: Uncertain significance for Hypophosphatasia. Last evaluated: 2026-09-01. Review status: criteria provided, single submitter. Criteria: Genomenon Sequence Variant Interpretation Standards - Updated. Collection method: curation. Allele origin: germline. Affected: yes.
Comment: ALPL p.Thr68del (c.202_204del) is an in-frame deletion that results in the loss of Threonine at codon 68. This variant has been observed in at least one proband affected with an ALPL-related disorder (PMID:36361766;37076969). It is absent or not present at a significant frequency in gnomAD. In conclusion, we classify ALPL p.Thr68del (c.202_204del) as a variant of uncertain significance.

Literature cited by the submitters: PubMed 36361766; PubMed 37076969.

NM_000478.6(ALPL):c.202_204del (p.Thr68del)

Gene: ALPL (alkaline phosphatase, biomineralization associated; plus strand). Cytogenetic location: 1p36.12.
Variant type: Deletion.
Coding change: c.202_204del on transcript NM_000478.6 (MANE Select); coding-DNA positions 202 to 204, 3 bases deleted (ACG; older notation c.202_204delACG).
Protein change: p.Thr68del; deletes threonine 68.
Molecular consequence: inframe deletion. On other transcripts: intron variant (1).
Genome position (GRCh38, 1-based): chr1:21,561,117-21,561,119, ACG deleted; deleting any 3 consecutive bases within chr1:21,561,116-21,561,119 gives the same sequence; the c. name uses the placement nearest the transcript's 3' end. VCF-style (leftmost placement, unchanged base first): chr1-21561115-TGAC-T. GRCh37 (hg19) VCF-style: chr1-21887608-TGAC-T.
Other names: c.37_39del, p.Thr13del (NM_001127501.4); c.202_204del, p.Thr68del (NM_001369803.2, NM_001369804.2, NM_001369805.2); c.66+372_66+374del (NM_001177520.3); short protein forms T13del, T68del.
Identifiers: ClinVar variation 4086911 (VCV004086911.2).